The following is an entry in ClinVar:

ClinVar aggregate classification (germline): Uncertain significance (1 of 4 stars; one submission).

Conditions:
BBS2-related disorder. Also called: BBS2-related disorders; BBS2-related condition. Identifiers: MedGen CN239228.

gnomAD v4.1: 2 of 1,614,138 alleles (0.00012%); highest among the groups gnomAD compares: Non-Finnish European, 0.00017%; no homozygotes.

Submission:

PreventionGenetics, part of Exact Sciences
Classification: Uncertain significance for BBS2-related condition. Last evaluated: 2025-01-02. Review status: criteria provided, single submitter. Criteria: ACMG Guidelines, 2015. Collection method: clinical testing. Allele origin: germline.
Comment: The BBS2 c.446A>T variant is predicted to result in the amino acid substitution p.His149Leu. To our knowledge, this variant has not been reported in the literature or in gnomAD, indicating this variant is rare. At this time, the clinical significance of this variant is uncertain due to the absence of conclusive functional and genetic evidence.

NM_031885.5(BBS2):c.446A>T (p.His149Leu)

Gene: BBS2 (Bardet-Biedl syndrome 2; minus strand). Cytogenetic location: 16q13.
Variant type: single nucleotide variant.
Coding change: c.446A>T on transcript NM_031885.5 (MANE Select); coding-DNA position 446, A replaced by T.
Protein change: p.His149Leu; replaces histidine 149 with leucine.
Molecular consequence: missense variant. On other transcripts: non-coding transcript variant (5).
Genome position (GRCh38, 1-based): chr16:56,511,184, T>A on the plus strand (A>T on the coding strand, the complement: BBS2 is on the minus strand). VCF-style: chr16-56511184-T-A. GRCh37 (hg19) VCF-style: chr16-56545096-T-A.
Other names: c.446A>T, p.His149Leu (NM_001377456.1); short protein forms H149L.
Identifiers: ClinVar variation 3354445 (VCV003354445.2).